The following is an entry in ClinVar:

NM_001378452.1(ITPR1):c.4837T>C (p.Leu1613=)

Genes: BRRIAR (BHLHE40 and RIG-I regulating ITPR1 antisense RNA; minus strand), ITPR1 (inositol 1,4,5-trisphosphate receptor type 1; plus strand). Cytogenetic location: 3p26.1.
Variant type: single nucleotide variant.
Coding change: c.4837T>C on transcript NM_001378452.1 (MANE Select); coding-DNA position 4837, T replaced by C.
Protein change: p.Leu1613=; no amino-acid change (leucine 1613 retained).
Molecular consequence: synonymous variant.
Genome position (GRCh38, 1-based): chr3:4,706,346, T>C. VCF-style: chr3-4706346-T-C. GRCh37 (hg19) VCF-style: chr3-4748030-T-C.
Other names: c.4810T>C, p.Leu1604= (NM_001099952.4); c.4792T>C, p.Leu1598= (NM_001168272.2); c.4765T>C, p.Leu1589= (NM_002222.7).
Identifiers: ClinVar variation 345740 (VCV000345740.25), dbSNP rs367643585, ClinGen allele CA2232112.

ClinVar aggregate classification (germline): Benign/Likely benign. Review status: criteria provided, multiple submitters, no conflicts (2 of 4 stars). 7 submissions from 7 submitters: Benign (2); Likely benign (4). 1 of the submissions does not count toward it. Last evaluated 2026-03-01.

Conditions:
Autosomal dominant cerebellar ataxia. Also called: Spinocerebellar Ataxia, Dominant. Identifiers: Orphanet 99, MedGen C4087347, MONDO:0020380.
ITPR1-related disorder. Also called: ITPR1-related condition.

Allele frequency attached by ClinVar (database versions not stated): gnomAD exomes 0.00010 and 0.00034; ExAC 0.00038; ESP Exome Variant Server 0.00111; gnomAD 0.00117 and 0.00120; TOPMed 0.00131; 1000 Genomes Project 30x 0.00203; 1000 Genomes Project 0.00220.
gnomAD v4.1: 336 of 1,607,082 alleles (0.021%); highest among the groups gnomAD compares: African/African-American, 0.39%; 2 homozygotes.

Submissions (7):

CeGaT Center for Human Genetics Tuebingen
Classification: Likely benign. Last evaluated: 2026-03-01. Review status: criteria provided, single submitter. Criteria: CeGaT Center For Human Genetics Tuebingen Variant Classification Criteria Version 2. Collection method: clinical testing. Allele origin: germline. Affected: yes. Observed: 1 variant allele.
Comment: ITPR1: BP4, BP7

Labcorp Genetics (formerly Invitae), Labcorp
Classification: Benign. Last evaluated: 2025-12-13. Review status: criteria provided, single submitter. Criteria: Invitae Variant Classification Sherloc (09022015). Collection method: clinical testing. Allele origin: germline.

Blueprint Genetics
Classification: Likely benign. Last evaluated: 2024-11-13. Review status: criteria provided, single submitter. Criteria: ACMG Guidelines, 2015. Collection method: clinical testing. Allele origin: germline.

GeneDx
Classification: Likely benign. Last evaluated: 2020-12-29. Review status: criteria provided, single submitter. Criteria: GeneDx Variant Classification Process June 2021. Collection method: clinical testing. Allele origin: germline. Affected: yes.

Eurofins Ntd Llc (ga)
Classification: Likely benign. Last evaluated: 2018-04-10. Review status: criteria provided, single submitter. Criteria: EGL ClinVar v180209 classification definitions. Collection method: clinical testing. Allele origin: germline. Observed: 1 variant allele, 1 heterozygote.

Illumina Laboratory Services, Illumina
Classification: Benign for Spinocerebellar Ataxia, Dominant. Last evaluated: 2018-01-13. Review status: criteria provided, single submitter. Criteria: ICSL Variant Classification Criteria 13 December 2019. Collection method: clinical testing. Allele origin: germline.
Comment: This variant was observed in the ICSL laboratory as part of a predisposition screen in an ostensibly healthy population. It had not been previously curated by ICSL or reported in the Human Gene Mutation Database (HGMD: prior to June 1st, 2018), and was therefore a candidate for classification through an automated scoring system. Utilizing variant allele frequency, disease prevalence and penetrance estimates, and inheritance mode, an automated score was calculated to assess if this variant is too frequent to cause the disease. Based on the score and internal cut-off values, a variant classified as benign is not then subjected to further curation. The score for this variant resulted in a classification of benign for this disease.

PreventionGenetics, part of Exact Sciences
Classification: Likely benign for ITPR1-related condition. Last evaluated: 2020-02-14. Review status: no assertion criteria provided. Collection method: clinical testing. Allele origin: germline. Not counted in ClinVar's aggregate classification.
Comment: This variant is classified as likely benign based on ACMG/AMP sequence variant interpretation guidelines (Richards et al. 2015 PMID: 25741868, with internal and published modifications).